The following is an entry in ClinVar:

NM_025257.3(SLC44A4):c.1038-6C>G

Gene: SLC44A4 (solute carrier family 44 member 4; minus strand). Cytogenetic location: 6p21.33.
Variant type: single nucleotide variant.
Coding change: c.1038-6C>G on transcript NM_025257.3 (MANE Select); 6 bases into the intron before coding-DNA position 1038, C replaced by G.
Molecular consequence: intron variant.
Genome position (GRCh38, 1-based): chr6:31,869,643, G>C on the plus strand (C>G on the coding strand, the complement: SLC44A4 is on the minus strand). VCF-style: chr6-31869643-G-C. GRCh37 (hg19) VCF-style: chr6-31837420-G-C.
Other names: c.912-6C>G (NM_001178044.2); c.810-6C>G (NM_001178045.2); c.1038-6C>G (NM_025257.2).
Identifiers: ClinVar variation 2745113 (VCV002745113.4), dbSNP rs768036660, ClinGen allele CA3725495.

ClinVar aggregate classification (germline): Likely benign. Review status: criteria provided, single submitter (1 of 4 stars). 2 submissions from 2 submitters: Likely benign (1). 1 of the submissions does not count toward it. Last evaluated 2024-09-08.

Conditions:
SLC44A4-related disorder. Also called: SLC44A4-related condition.

Allele frequency attached by ClinVar (database versions not stated): gnomAD exomes 0.00007; TOPMed 0.00008; gnomAD 0.00015; ExAC 0.00018.
gnomAD v4.1: 132 of 1,594,564 alleles (0.0083%); highest among the groups gnomAD compares: Middle Eastern, 0.15%; 1 homozygote.

Submissions (2):

Labcorp Genetics (formerly Invitae), Labcorp
Classification: Likely benign. Last evaluated: 2024-09-08. Review status: criteria provided, single submitter. Criteria: Invitae Variant Classification Sherloc (09022015). Collection method: clinical testing. Allele origin: germline.

PreventionGenetics, part of Exact Sciences
Classification: Uncertain significance for SLC44A4-related condition. Last evaluated: 2024-09-06. Review status: no assertion criteria provided. Collection method: clinical testing. Allele origin: germline. Not counted in ClinVar's aggregate classification.
Comment: The SLC44A4 c.1038-6C>G variant is predicted to interfere with splicing. This variant is predicted to alter splicing based on available splicing prediction software (SpliceAI, Jaganathan et al. 2019. PubMed ID: 30661751). However, the use of computer prediction softwares is not equivalent to functional evidence. To our knowledge, this variant has not been reported in the literature. This variant is reported in 0.035% of alleles in individuals of Latino descent in gnomAD, which may be too high for causative variant. Although we suspect that this variant may be benign, at this time, the clinical significance of this variant is uncertain due to the absence of conclusive functional and genetic evidence.